The following is an entry in ClinVar:

ClinVar aggregate classification (germline): Uncertain significance (1 of 4 stars; one submission).

Conditions:
Fanconi anemia complementation group J. Also called: BRIP1-Related Fanconi Anemia. Identifiers: Orphanet 84, MedGen C1836860, MONDO:0012187, OMIM 609054.
Familial cancer of breast. Also called: Hereditary breast cancer; BREAST CANCER, FAMILIAL; hereditary breast carcinoma. Identifiers: Orphanet 227535, MedGen C0346153, MONDO:0016419, OMIM 114480. Disease mechanism: loss of function.

Allele frequency attached by ClinVar (database versions not stated): gnomAD exomes below 0.00001.
gnomAD v4.1: 1 of 1,613,860 alleles (0.000062%); highest among the groups gnomAD compares: Non-Finnish European, 0.000085%; no homozygotes.

Submission:

Labcorp Genetics (formerly Invitae), Labcorp
Classification: Uncertain significance for Familial cancer of breast; Fanconi anemia complementation group J. Last evaluated: 2023-07-25. Review status: criteria provided, single submitter. Criteria: Invitae Variant Classification Sherloc (09022015). Collection method: clinical testing. Allele origin: germline.
Comment: This sequence change replaces valine, which is neutral and non-polar, with leucine, which is neutral and non-polar, at codon 289 of the BRIP1 protein (p.Val289Leu). This variant is not present in population databases (gnomAD no frequency). This variant has not been reported in the literature in individuals affected with BRIP1-related conditions. ClinVar contains an entry for this variant (Variation ID: 1373799). Advanced modeling of protein sequence and biophysical properties (such as structural, functional, and spatial information, amino acid conservation, physicochemical variation, residue mobility, and thermodynamic stability) performed at Invitae indicates that this missense variant is not expected to disrupt BRIP1 protein function. In summary, the available evidence is currently insufficient to determine the role of this variant in disease. Therefore, it has been classified as a Variant of Uncertain Significance.

NM_032043.3(BRIP1):c.865G>C (p.Val289Leu)

Gene: BRIP1 (BRCA1 interacting DNA helicase 1; minus strand). Cytogenetic location: 17q23.2.
Variant type: single nucleotide variant.
Coding change: c.865G>C on transcript NM_032043.3 (MANE Select); coding-DNA position 865, G replaced by C.
Protein change: p.Val289Leu; replaces valine 289 with leucine.
Molecular consequence: missense variant.
Genome position (GRCh38, 1-based): chr17:61,808,520, C>G on the plus strand (G>C on the coding strand, the complement: BRIP1 is on the minus strand). VCF-style: chr17-61808520-C-G. GRCh37 (hg19) VCF-style: chr17-59885881-C-G.
Other names: short protein forms V289L.
Identifiers: ClinVar variation 1373799 (VCV001373799.7), dbSNP rs1567837768, ClinGen allele CA400484751.